The following is an entry in ClinVar:

NM_003073.5(SMARCB1):c.*293C>T

Gene: SMARCB1 (SWI/SNF related BAF chromatin remodeling complex subunit B1; plus strand). Cytogenetic location: 22q11.23.
Variant type: single nucleotide variant.
Coding change: c.*293C>T on transcript NM_003073.5 (MANE Select); 293 bases downstream of the stop codon, C replaced by T.
Molecular consequence: 3 prime UTR variant.
Genome position (GRCh38, 1-based): chr22:23,834,473, C>T. VCF-style: chr22-23834473-C-T. GRCh37 (hg19) VCF-style: chr22-24176660-C-T.
Other names: c.*293C>T (LRG_520t1, NM_001007468.3, NM_001317946.2 and 1 more transcripts).
Identifiers: ClinVar variation 340922 (VCV000340922.5), dbSNP rs754865420, ClinGen allele CA10146152.
Genomic context (GRCh38, chr22:23,834,473, plus strand): 5'-AGAAACCTTATTTTAGGTTGTGTTTTGTTTTTGTATAGGAGCCCCAGGCAGGGCTAGTAA[C>T]AGTTTTTAAATAAAAGGCAACAGGTCATGTTCAATTTCTTCAACAGGTCATGTTCAATTT-3'

ClinVar aggregate classification (germline): Benign. Review status: criteria provided, single submitter (1 of 4 stars). 2 submissions from 1 submitter: Benign (2). Last evaluated 2018-01-12.

Conditions:
Rhabdoid tumor predisposition syndrome 1 (RTPS1). Also called: Familial Posterior Fossa Brain Tumor of Infancy. Identifiers: Orphanet 231108, Orphanet 69077, MedGen C1836327, MONDO:0012252, OMIM 609322.
SMARCB1-related schwannomatosis. Also called: SWNTS1; Schwannomatosis 1. Identifiers: Orphanet 93921, MedGen C4048809, MONDO:0024517, OMIM 162091. Disease mechanism: loss of function.

Allele frequency attached by ClinVar (database versions not stated): TOPMed 0.00048; gnomAD 0.00050 and 0.00051; gnomAD exomes 0.00057 and 0.00088; ExAC 0.00183.
gnomAD v4.1: 389 of 659,870 alleles (0.059%); highest among the groups gnomAD compares: Middle Eastern, 0.024%; 4 homozygotes.

Submissions (2):

Illumina Laboratory Services, Illumina
Classification: Benign for SMARCB1-related schwannomatosis. Last evaluated: 2018-01-12. Review status: criteria provided, single submitter. Criteria: ICSL Variant Classification Criteria 13 December 2019. Collection method: clinical testing. Allele origin: germline.
Comment: This variant was observed in the ICSL laboratory as part of a predisposition screen in an ostensibly healthy population. It had not been previously curated by ICSL or reported in the Human Gene Mutation Database (HGMD: prior to June 1st, 2018), and was therefore a candidate for classification through an automated scoring system. Utilizing variant allele frequency, disease prevalence and penetrance estimates, and inheritance mode, an automated score was calculated to assess if this variant is too frequent to cause the disease. Based on the score and internal cut-off values, a variant classified as benign is not then subjected to further curation. The score for this variant resulted in a classification of benign for this disease.

Illumina Laboratory Services, Illumina
Classification: Benign for Rhabdoid tumor predisposition syndrome 1. Last evaluated: 2018-01-12. Review status: criteria provided, single submitter. Criteria: ICSL Variant Classification Criteria 13 December 2019. Collection method: clinical testing. Allele origin: germline.
Comment: the same text as in the submission from Illumina Laboratory Services, Illumina above.